The following is an entry in ClinVar:

NM_000742.4(CHRNA2):c.1529T>C (p.Ile510Thr)

Gene: CHRNA2 (cholinergic receptor nicotinic alpha 2 subunit; minus strand). Cytogenetic location: 8p21.2.
Variant type: single nucleotide variant.
Coding change: c.1529T>C on transcript NM_000742.4 (MANE Select); coding-DNA position 1529, T replaced by C.
Protein change: p.Ile510Thr; replaces isoleucine 510 with threonine.
Molecular consequence: missense variant.
Genome position (GRCh38, 1-based): chr8:27,461,690, A>G on the plus strand (T>C on the coding strand, the complement: CHRNA2 is on the minus strand). VCF-style: chr8-27461690-A-G. GRCh37 (hg19) VCF-style: chr8-27319207-A-G.
Other names: c.1484T>C, p.Ile495Thr (NM_001282455.2); c.1052T>C, p.Ile351Thr (NM_001347705.2, NM_001347706.2); c.935T>C, p.Ile312Thr (NM_001347707.2, NM_001347708.2); short protein forms I312T, I351T, I495T, I510T.
Identifiers: ClinVar variation 3039437 (VCV003039437.2), dbSNP rs1812494361, ClinGen allele CA370806966.
Genomic context (GRCh38, chr8:27,461,690, plus strand): 5'-CAGATCATTCCAGCTAGGAACGGAGGCAGAAAGAGGCCGATGGTCCCCAGGAAGCAGACG[A>G]TGATAAACAGCCAGAGGAAGATCCTGTCGATGACCATGGCAACATACTTCCAGTCCTCCT-3'
Protein context (NP_000733.2, residues 500-520): IDRIFLWLFI[Ile510Thr]VCFLGTIGLF

ClinVar aggregate classification (germline): Uncertain significance (0 of 4 stars; one submission).

Conditions:
CHRNA2-related disorder. Also called: CHRNA2-related condition.

Allele frequency attached by ClinVar (database versions not stated): gnomAD exomes below 0.00001; TOPMed below 0.00001.
gnomAD v4.1: 3 of 1,614,258 alleles (0.00019%); highest among the groups gnomAD compares: Middle Eastern, 0.033%; no homozygotes.

Submission:

PreventionGenetics, part of Exact Sciences
Classification: Uncertain significance for CHRNA2-related condition. Last evaluated: 2024-01-23. Review status: no assertion criteria provided. Collection method: clinical testing. Allele origin: germline.
Comment: The CHRNA2 c.1529T>C variant is predicted to result in the amino acid substitution p.Ile510Thr. To our knowledge, this variant has not been reported in the literature or in a large population database, indicating this variant is rare. At this time, the clinical significance of this variant is uncertain due to the absence of conclusive functional and genetic evidence.